The following is an entry in ClinVar:

NC_000023.11:g.101837511C>A

Gene: NXF5 (nuclear RNA export factor 5; minus strand). Cytogenetic location: Xq22.1.
Variant type: single nucleotide variant.
Molecular consequence: non-coding transcript variant (on NR_028089.1).
Genome position: GRCh38 VCF-style: chrX-101837511-C-A. GRCh37 (hg19) VCF-style: chrX-101092483-C-A.
Other names: NM_032946.2:c.1063G>T.
Identifiers: ClinVar variation 3882053 (VCV003882053.2).
Genomic context (GRCh38, chrX:101,837,511, plus strand): 5'-AGCGCTCAGGTGCTCAGGATCCTCCTTAACCTCCTACCCACCTCTGGCTCTCTGGGCCTG[C>A]CCGAGGGAGGAAGCAGGTGTTCACGGTCTGGTACCACATGTCCACCAGGATGGAGGTGAA-3'

ClinVar aggregate classification (germline): Uncertain significance. Review status: criteria provided, multiple submitters, no conflicts (2 of 4 stars). 2 submissions from 2 submitters: Uncertain significance (2). Last evaluated 2025-10-11.

Submissions (2):

Labcorp Genetics (formerly Invitae), Labcorp
Classification: Uncertain significance. Last evaluated: 2025-10-11. Review status: criteria provided, single submitter. Criteria: Invitae Variant Classification Sherloc (09022015). Collection method: clinical testing. Allele origin: germline.
Comment: This sequence change replaces alanine, which is neutral and non-polar, with serine, which is neutral and polar, at codon 355 of the NXF5 protein (p.Ala355Ser). This variant is present in population databases (rs752491574, gnomAD 0.004%). This variant has not been reported in the literature in individuals affected with NXF5-related conditions. ClinVar contains an entry for this variant (Variation ID: 3882053). An algorithm developed to predict the effect of missense changes on protein structure and function outputs the following: PolyPhen-2: "Benign". The serine amino acid residue is found in multiple mammalian species, which suggests that this missense change does not adversely affect protein function. In summary, the available evidence is currently insufficient to determine the role of this variant in disease. Therefore, it has been classified as a Variant of Uncertain Significance.

Ambry Genetics
Classification: Uncertain significance. Last evaluated: 2025-01-28. Review status: criteria provided, single submitter. Criteria: Ambry Variant Classification Scheme 2023. Collection method: clinical testing. Allele origin: germline.